The following is an entry in ClinVar:

ClinVar aggregate classification (germline): Uncertain significance. Review status: criteria provided, multiple submitters, no conflicts (2 of 4 stars). 2 submissions from 2 submitters: Uncertain significance (2). Last evaluated 2024-09-20.

Allele frequency attached by ClinVar (database versions not stated): gnomAD exomes below 0.00001; ExAC 0.00001; gnomAD 0.00001; TOPMed 0.00001.

Submissions (2):

Ambry Genetics
Classification: Uncertain significance. Last evaluated: 2024-09-20. Review status: criteria provided, single submitter. Criteria: Ambry Variant Classification Scheme 2023. Collection method: clinical testing. Allele origin: germline.

Labcorp Genetics (formerly Invitae), Labcorp
Classification: Uncertain significance. Last evaluated: 2022-03-09. Review status: criteria provided, single submitter. Criteria: Invitae Variant Classification Sherloc (09022015). Collection method: clinical testing. Allele origin: germline.
Comment: In summary, the available evidence is currently insufficient to determine the role of this variant in disease. Therefore, it has been classified as a Variant of Uncertain Significance. Algorithms developed to predict the effect of missense changes on protein structure and function are either unavailable or do not agree on the potential impact of this missense change (SIFT: "Tolerated"; PolyPhen-2: "Possibly Damaging"; Align-GVGD: "Class C0"). ClinVar contains an entry for this variant (Variation ID: 936140). This variant has not been reported in the literature in individuals affected with PLEKHM2-related conditions. This variant is present in population databases (rs774711874, gnomAD 0.003%). This sequence change replaces aspartic acid, which is acidic and polar, with asparagine, which is neutral and polar, at codon 847 of the PLEKHM2 protein (p.Asp847Asn).

NM_015164.4(PLEKHM2):c.2539G>A (p.Asp847Asn)

Gene: PLEKHM2 (pleckstrin homology and RUN domain containing M2; plus strand). Cytogenetic location: 1p36.21.
Variant type: single nucleotide variant.
Coding change: c.2539G>A on transcript NM_015164.4 (MANE Select); coding-DNA position 2539, G replaced by A.
Protein change: p.Asp847Asn; replaces aspartic acid 847 with asparagine.
Molecular consequence: missense variant.
Genome position (GRCh38, 1-based): chr1:15,731,962, G>A. VCF-style: chr1-15731962-G-A. GRCh37 (hg19) VCF-style: chr1-16058457-G-A.
Other names: short protein forms D847N.
Identifiers: ClinVar variation 936140 (VCV000936140.10), dbSNP rs774711874, ClinGen allele CA617289.